The following is an entry in ClinVar:

NM_182931.3(KMT2E):c.2557A>G (p.Lys853Glu)

Gene: KMT2E (lysine methyltransferase 2E (inactive); plus strand). Cytogenetic location: 7q22.3.
Variant type: single nucleotide variant.
Coding change: c.2557A>G on transcript NM_182931.3 (MANE Select); coding-DNA position 2557, A replaced by G.
Protein change: p.Lys853Glu; replaces lysine 853 with glutamic acid.
Molecular consequence: missense variant.
Genome position (GRCh38, 1-based): chr7:105,105,964, A>G. VCF-style: chr7-105105964-A-G. GRCh37 (hg19) VCF-style: chr7-104746411-A-G.
Other names: c.2557A>G, p.Lys853Glu (NM_001410908.1, NM_018682.4); short protein forms K853E.
Identifiers: ClinVar variation 2117570 (VCV002117570.4), dbSNP rs2536504234, ClinGen allele CA368786807.
Genomic context (GRCh38, chr7:105,105,964, plus strand): 5'-CATAGATTTAATTCACCCTGTCAAGAAAGATCCAGAAGTCCTGCAGTCAATGGTGAAAAT[A>G]AAAGTCCACTACTATTAAATGACAGCTGTTCCCTTCCAGGTAGAATTTTTTTTTCAGAGT-3'
Protein context (NP_891847.1, residues 843-863): SRSPAVNGEN[Lys853Glu]SPLLLNDSCS

ClinVar aggregate classification (germline): Uncertain significance (1 of 4 stars; one submission).

Submission:

Labcorp Genetics (formerly Invitae), Labcorp
Classification: Uncertain significance. Last evaluated: 2022-04-06. Review status: criteria provided, single submitter. Criteria: Invitae Variant Classification Sherloc (09022015). Collection method: clinical testing. Allele origin: germline.
Comment: Algorithms developed to predict the effect of missense changes on protein structure and function (SIFT, PolyPhen-2, Align-GVGD) all suggest that this variant is likely to be tolerated. This variant has not been reported in the literature in individuals affected with KMT2E-related conditions. This variant is not present in population databases (gnomAD no frequency). This sequence change replaces lysine, which is basic and polar, with glutamic acid, which is acidic and polar, at codon 853 of the KMT2E protein (p.Lys853Glu). In summary, the available evidence is currently insufficient to determine the role of this variant in disease. Therefore, it has been classified as a Variant of Uncertain Significance.